The following is an entry in ClinVar:

ClinVar aggregate classification (germline): Pathogenic. Review status: criteria provided, multiple submitters, no conflicts (2 of 4 stars). 2 submissions from 2 submitters: Pathogenic (2). Last evaluated 2024-11-13.

Conditions:
Marfan syndrome (MFS). Also called: MARFAN SYNDROME, TYPE I; FBN1-Related Marfan Syndrome; Marfan syndrome type 1; Marfan's syndrome; Marfan syndrome, classic. Identifiers: Orphanet 284963, Orphanet 558, MedGen C0024796, MONDO:0007947, OMIM 154700.
Familial thoracic aortic aneurysm and aortic dissection (TAAD). Also called: Thoracic aortic aneurysms and dissections. Identifiers: Orphanet 91387, MedGen C4707243, MONDO:0019625.

Submissions (2):

Labcorp Genetics (formerly Invitae), Labcorp
Classification: Pathogenic for Marfan syndrome; Familial thoracic aortic aneurysm and aortic dissection. Last evaluated: 2024-11-13. Review status: criteria provided, single submitter. Criteria: Invitae Variant Classification Sherloc (09022015). Collection method: clinical testing. Allele origin: germline.
Comment: This sequence change creates a premature translational stop signal (p.Glu1896Lysfs*34) in the FBN1 gene. It is expected to result in an absent or disrupted protein product. Loss-of-function variants in FBN1 are known to be pathogenic (PMID: 17657824, 19293843). This variant is not present in population databases (gnomAD no frequency). This premature translational stop signal has been observed in individual(s) with FBN1-related conditions (PMID: 19293843). ClinVar contains an entry for this variant (Variation ID: 418697). For these reasons, this variant has been classified as Pathogenic.

GeneDx
Classification: Pathogenic. Last evaluated: 2022-08-15. Review status: criteria provided, single submitter. Criteria: GeneDx Variant Classification Process June 2021. Collection method: clinical testing. Allele origin: germline. Affected: yes.
Comment: Not observed at significant frequency in large population cohorts (gnomAD); Frameshift variant predicted to result in protein truncation or nonsense mediated decay in a gene for which loss of function is a known mechanism of disease; This variant is associated with the following publications: (PMID: 19293843)

Literature cited by the submitters: PubMed 17657824 (cited by Labcorp Genetics (formerly Invitae), Labcorp); PubMed 19293843 (cited by Labcorp Genetics (formerly Invitae), Labcorp).

NM_000138.5(FBN1):c.5686del (p.Glu1896fs)

Gene: FBN1 (fibrillin 1; minus strand). Cytogenetic location: 15q21.1.
Variant type: Deletion.
Coding change: c.5686del on transcript NM_000138.5 (MANE Select); coding-DNA position 5686, one base deleted (G; older notation c.5686delG).
Protein change: p.Glu1896fs; shifts the reading frame from glutamic acid 1896.
Molecular consequence: frameshift variant.
Genome position (GRCh38, 1-based): chr15:48,446,808, C deleted on the plus strand (G on the coding strand, the reverse complement: FBN1 is on the minus strand). VCF-style (leftmost placement, unchanged base first): chr15-48446807-TC-T. GRCh37 (hg19) VCF-style: chr15-48739004-TC-T.
Other names: c.5686delG (NM_000138.4); short protein forms E1896fs.
Identifiers: ClinVar variation 418697 (VCV000418697.6), dbSNP rs1064793374, ClinGen allele CA16619951.